The following is an entry in ClinVar:

ClinVar aggregate classification (germline): Uncertain significance (1 of 4 stars; one submission).

Conditions:
Cardiomyopathy (CMYO). Also called: Cardiomyopathies. Identifiers: Orphanet 167848, MedGen C0878544, MONDO:0004994, HP:0001638. Inheritance: Various modes of inheritance.

Allele frequency attached by ClinVar (database versions not stated): gnomAD exomes below 0.00001.
gnomAD v4.1: 1 of 1,610,292 alleles (0.000062%); highest among the groups gnomAD compares: Non-Finnish European, 0.000085%; no homozygotes.

Submission:

Color Diagnostics, LLC DBA Color Health
Classification: Uncertain significance for Cardiomyopathy. Last evaluated: 2024-03-06. Review status: criteria provided, single submitter. Criteria: ACMG Guidelines, 2015. Collection method: clinical testing. Allele origin: germline.
Comment: This missense variant replaces lysine with asparagine at codon 768 of the PKP2 protein. Computational prediction tool suggests that this variant may not impact protein structure and function (internally defined REVEL score threshold <=0.5, PMID: 27666373). Splice site prediction tools suggest that this variant may not impact RNA splicing. To our knowledge, functional studies have not been performed for this variant. This variant has not been reported in individuals affected with cardiovascular disorders in the literature. This variant has been identified in 1/250514 chromosomes in the general population by the Genome Aggregation Database (gnomAD). The available evidence is insufficient to determine the role of this variant in disease conclusively. Therefore, this variant is classified as a Variant of Uncertain Significance.

NM_001005242.3(PKP2):c.2172A>T (p.Lys724Asn)

Gene: PKP2 (plakophilin 2; minus strand). Cytogenetic location: 12p11.21.
Variant type: single nucleotide variant.
Coding change: c.2172A>T on transcript NM_001005242.3 (MANE Select); coding-DNA position 2172, A replaced by T.
Protein change: p.Lys724Asn; replaces lysine 724 with asparagine.
Molecular consequence: missense variant.
Genome position (GRCh38, 1-based): chr12:32,796,294, T>A on the plus strand (A>T on the coding strand, the complement: PKP2 is on the minus strand). VCF-style: chr12-32796294-T-A. GRCh37 (hg19) VCF-style: chr12-32949228-T-A.
Other names: c.2304A>T, p.Lys768Asn (NM_004572.4); short protein forms K768N, K724N.
Identifiers: ClinVar variation 921974 (VCV000921974.4), dbSNP rs752507257, ClinGen allele CA235218173.